The following is an entry in ClinVar:

NM_001408.3(CELSR2):c.35CGC[6] (p.Pro16dup)

Gene: CELSR2 (cadherin EGF LAG seven-pass G-type receptor 2; plus strand). Cytogenetic location: 1p13.3.
Variant type: Microsatellite.
Coding change: c.35CGC[6] on transcript NM_001408.3 (MANE Select); six copies in a row of the 3-base unit CGC starting at c.35; the reference has five copies in a row; one copy, 3 bases duplicated.
Protein change: p.Pro16dup; duplicates proline 16.
Molecular consequence: inframe insertion.
Genome position (GRCh38, 1-based): chr1:109,250,126-109,250,128, CGC duplicated; duplicating any 3 consecutive bases within chr1:109,250,114-109,250,128 gives the same sequence; the position shown is the placement nearest the transcript's 3' end. VCF-style (leftmost placement, unchanged base first): chr1-109250113-A-ACGC. GRCh37 (hg19) VCF-style: chr1-109792735-A-ACGC.
Other names: c.47_49dupCGC (NM_001408.2).
Identifiers: ClinVar variation 767684 (VCV000767684.9), dbSNP rs59201433, ClinGen allele CA986287.

ClinVar aggregate classification (germline): Benign. Review status: criteria provided, multiple submitters, no conflicts (2 of 4 stars). 2 submissions from 2 submitters: Benign (2). Last evaluated 2026-02-01.

Conditions:
CELSR2-related disorder. Also called: CELSR2-related condition.

Submissions (2):

Labcorp Genetics (formerly Invitae), Labcorp
Classification: Benign. Last evaluated: 2026-02-01. Review status: criteria provided, single submitter. Criteria: Invitae Variant Classification Sherloc (09022015). Collection method: clinical testing. Allele origin: germline.

PreventionGenetics, part of Exact Sciences
Classification: Benign for CELSR2-related condition. Last evaluated: 2025-01-02. Review status: criteria provided, single submitter. Criteria: ACMG Guidelines, 2015. Collection method: clinical testing. Allele origin: germline.
Comment: This variant is classified as benign based on ACMG/AMP sequence variant interpretation guidelines (Richards et al. 2015 PMID: 25741868, with internal and published modifications).